The following is an entry in ClinVar:

ClinVar aggregate classification (germline): Uncertain significance (1 of 4 stars; one submission).

Conditions:
Zellweger spectrum disorders (ZS). Also called: Zellweger Spectrum Disorder (ZSD); Zellweger Spectrum Disorder; Zellweger Spectrum; Zellweger syndrome. Identifiers: Orphanet 912, MedGen C0043459, MONDO:0019609.

Submission:

Labcorp Genetics (formerly Invitae), Labcorp
Classification: Uncertain significance for Zellweger spectrum disorders. Last evaluated: 2021-12-24. Review status: criteria provided, single submitter. Criteria: Invitae Variant Classification Sherloc (09022015). Collection method: clinical testing. Allele origin: germline.
Comment: In summary, the available evidence is currently insufficient to determine the role of this variant in disease. Therefore, it has been classified as a Variant of Uncertain Significance. Algorithms developed to predict the effect of sequence changes on RNA splicing suggest that this variant may create or strengthen a splice site. This sequence change replaces alanine, which is neutral and non-polar, with valine, which is neutral and non-polar, at codon 1027 of the PEX1 protein (p.Ala1027Val). This variant is not present in population databases (gnomAD no frequency). This variant has not been reported in the literature in individuals affected with PEX1-related conditions. Advanced modeling of protein sequence and biophysical properties (such as structural, functional, and spatial information, amino acid conservation, physicochemical variation, residue mobility, and thermodynamic stability) performed at Invitae indicates that this missense variant is not expected to disrupt PEX1 protein function.

NM_000466.3(PEX1):c.3080C>T (p.Ala1027Val)

Genes: PEX1 (peroxisomal biogenesis factor 1; minus strand), GATAD1 (GATA zinc finger domain containing 1; plus strand). Cytogenetic location: 7q21.2.
Variant type: single nucleotide variant.
Coding change: c.3080C>T on transcript NM_000466.3 (MANE Select); coding-DNA position 3080, C replaced by T.
Protein change: p.Ala1027Val; replaces alanine 1027 with valine.
Molecular consequence: missense variant.
Genome position (GRCh38, 1-based): chr7:92,493,080, G>A on the plus strand (C>T on the coding strand, the complement: PEX1 is on the minus strand). VCF-style: chr7-92493080-G-A. GRCh37 (hg19) VCF-style: chr7-92122394-G-A.
Other names: c.2909C>T, p.Ala970Val (NM_001282677.2); c.2456C>T, p.Ala819Val (NM_001282678.2); short protein forms A819V, A970V, A1027V.
Identifiers: ClinVar variation 2058646 (VCV002058646.4), dbSNP rs1230128969, ClinGen allele CA368166840.
Genomic context (GRCh38, chr7:92,493,080, plus strand): 5'-AGATCAGCTCCAGTAAAGGAGTCAGTTACTGATGCTACATGCTGAAGGTCAACATCATCT[G>A]CCAGAGGTAGAGAGTCACTGAGGACATTTAAAATTTCAAGACGTGACACCTGAAAGGAGA-3'
Protein context (NP_000457.1, residues 1017-1037): LNVLSDSLPL[Ala1027Val]DDVDLQHVAS